The following is an entry in ClinVar:

ClinVar aggregate classification (germline): Uncertain significance (1 of 4 stars; one submission).

gnomAD v4.1: 8 of 1,531,956 alleles (0.00052%); highest among the groups gnomAD compares: Admixed American, 0.016%; no homozygotes.

Submission:

Labcorp Genetics (formerly Invitae), Labcorp
Classification: Uncertain significance. Last evaluated: 2026-01-08. Review status: criteria provided, single submitter. Criteria: Invitae Variant Classification Sherloc (09022015). Collection method: clinical testing. Allele origin: germline.
Comment: This sequence change replaces proline, which is neutral and non-polar, with leucine, which is neutral and non-polar, at codon 690 of the SYNPO protein (p.Pro690Leu). This variant is present in population databases (no rsID available, gnomAD 0.03%). This variant has not been reported in the literature in individuals affected with SYNPO-related conditions. An algorithm developed to predict the effect of missense changes on protein structure and function (PolyPhen-2) suggests that this variant is likely to be tolerated. In summary, the available evidence is currently insufficient to determine the role of this variant in disease. Therefore, it has been classified as a Variant of Uncertain Significance.

NM_007286.6(SYNPO):c.2069C>T (p.Pro690Leu)

Genes: SYNPO (synaptopodin; plus strand), LOC129995010 (ATAC-STARR-seq lymphoblastoid silent region 16515; plus strand). Cytogenetic location: 5q33.1.
Variant type: single nucleotide variant.
Coding change: c.2069C>T on transcript NM_007286.6 (MANE Select); coding-DNA position 2069, C replaced by T.
Protein change: p.Pro690Leu; replaces proline 690 with leucine.
Molecular consequence: missense variant.
Genome position (GRCh38, 1-based): chr5:150,656,444, C>T. VCF-style: chr5-150656444-C-T. GRCh37 (hg19) VCF-style: chr5-150036006-C-T.
Other names: short protein forms P690L.
Identifiers: ClinVar variation 4749506 (VCV004749506.1).
Genomic context (GRCh38, chr5:150,656,444, plus strand): 5'-CCTCTCTGCTCTCTCCCCAGGACCGCCGGGAGAGCCTGCCCACCTCCCCACCCTGGACGC[C>T]GGGCGCGTCCCGGCCCCCCAGCAGCCTAGACGGCTGGGTGAGCCCGGGCCCGTGGGAGCC-3'
Protein context (NP_009217.3, residues 680-700): ESLPTSPPWT[Pro690Leu]GASRPPSSLD